The following is an entry in ClinVar:

ClinVar aggregate classification (germline): Uncertain significance (1 of 4 stars; one submission).

Conditions:
3-methylcrotonyl-CoA carboxylase 1 deficiency (MCC1D). Also called: MCC 1 deficiency; 3 Alpha methylcrotonylglycinuria 1; MCCD TYPE 1; METHYLCROTONYLGLYCINURIA TYPE I. Identifiers: Orphanet 6, MedGen CN028786, MONDO:0008861, OMIM 210200.

Submission:

Labcorp Genetics (formerly Invitae), Labcorp
Classification: Uncertain significance for 3-methylcrotonyl-CoA carboxylase 1 deficiency. Last evaluated: 2021-04-03. Review status: criteria provided, single submitter. Criteria: Invitae Variant Classification Sherloc (09022015). Collection method: clinical testing. Allele origin: germline.
Comment: A copy number gain of the genomic region encompassing the full coding sequence of the MCCC1 gene has been identified. The boundaries of this event are unknown as they extend beyond the assayed region for this gene and therefore may encompass additional genes. As the precise location of this event is unknown, it may be in tandem or it may be located elsewhere in the genome. This variant has not been reported in the literature in individuals with MCCC1-related conditions. In summary, the available evidence is currently insufficient to determine the role of this variant in disease. Therefore, it has been classified as a Variant of Uncertain Significance.

NC_000003.11:g.(?_182733226)_(182817228_?)dup

Gene: MCCC1 (methylcrotonyl-CoA carboxylase subunit 1; minus strand). Cytogenetic location: 3q27.1.
Variant type: Duplication.
Identifiers: ClinVar variation 1433950 (VCV001433950.3).